The following is an entry in ClinVar:

NM_000352.6(ABCC8):c.2295_2307delinsAA (p.Arg766fs)

Genes: ABCC8 (ATP binding cassette subfamily C member 8; minus strand), LOC110121471 (VISTA enhancer hs1977; plus strand). Cytogenetic location: 11p15.1.
Variant type: Indel.
Coding change: c.2295_2307delinsAA on transcript NM_000352.6 (MANE Select); coding-DNA positions 2295 to 2307, GAGAGGCCCCGTG replaced by AA.
Protein change: p.Arg766fs; shifts the reading frame from arginine 766.
Molecular consequence: frameshift variant. On other transcripts: non-coding transcript variant (1).
Genome position (GRCh38, 1-based): chr11:17,414,595-17,414,607, CACGGGGCCTCTC replaced by TT on the plus strand (GAGAGGCCCCGTG replaced by AA on the coding strand, the reverse complement: ABCC8 is on the minus strand). VCF-style: chr11-17414595-CACGGGGCCTCTC-TT. GRCh37 (hg19) VCF-style: chr11-17436142-CACGGGGCCTCTC-TT.
Other names: c.2298_2310delinsAA, p.Arg767fs (NM_001287174.3); c.2361_2373delinsAA, p.Arg788fs (NM_001351295.2); c.2295_2307delinsAA, p.Arg766fs (NM_001351296.2); c.2292_2304delinsAA, p.Arg765fs (NM_001351297.2); short protein forms R767fs, R766fs, R788fs, R765fs.
Identifiers: ClinVar variation 434054 (VCV000434054.7), dbSNP rs1554917411, ClinGen allele CA645372510.
Genomic context (GRCh38, chr11:17,414,595, plus strand): 5'-AAAGATGATGTTCTCCTCCACAGTGGCATTTAGCAGCCATGGTTTCTGCGAAGCATAGGC[CACGGGGCCTCTC>TT]TTCCTGGAAAAAGCAGGGCGGGAGTAGGGGGTGCGGAAGGCATTCTCAGGGGCTTGTTCT-3'

ClinVar aggregate classification (germline): Conflicting classifications of pathogenicity. Review status: criteria provided, conflicting classifications (1 of 4 stars). 3 submissions from 2 submitters: Pathogenic (1); Uncertain significance (2). Last evaluated 2016-08-31.

Conditions:
Hyperinsulinemic hypoglycemia, familial, 1 (HHF1). Also called: Persistent hyperinsulinemic hypoglycemia of infancy; Persistent Hyperinsulinemia Hypoglycemia of Infancy; HYPERINSULINISM, FAMILIAL, WITH PANCREATIC NESIDIOBLASTOSIS; HYPOGLYCEMIA, HYPERINSULINEMIC, OF INFANCY; NESIDIOBLASTOSIS OF PANCREAS. Identifiers: Orphanet 276575, Orphanet 276598, MedGen C2931832, MONDO:0009734, OMIM 256450.
Transitory neonatal diabetes mellitus. Also called: Transient neonatal diabetes mellitus. Identifiers: MedGen C0342273, MONDO:0020525, HP:0008255.
Maturity-onset diabetes of the young (MODY). Also called: Maturity onset diabetes mellitus in young. Identifiers: Orphanet 552, MedGen C0342276, MONDO:0018911, HP:0004904.

Submissions (3):

Genetic Services Laboratory, University of Chicago
Classification: Pathogenic for Hyperinsulinemic hypoglycemia, familial, 1. Last evaluated: 2016-08-31. Review status: criteria provided, single submitter. Criteria: ACMG Guidelines, 2015. Collection method: clinical testing. Allele origin: germline. Affected: yes.

Clinical Genomics, Uppaluri K&H Personalized Medicine Clinic
Classification: Uncertain significance for Transitory neonatal diabetes mellitus. Review status: criteria provided, single submitter. Criteria: K & H Uppaluri Personalized Medicine Clinic Variant Classification & Assertion Criteria_Updated V.1. Collection method: research. Allele origin: unknown. Inheritance: Somatic mutation.
Comment: Mutations in ABCC8 gene are associated with both neonatal diabetes mellitus as well as MODY. Patients with this mutation may have a better response to sulfonylureas. However, no sufficient evidence is found to ascertain the role of this particular variant ( rs1554917411) in neonatal diabetes yet.

Clinical Genomics, Uppaluri K&H Personalized Medicine Clinic
Classification: Uncertain significance for Maturity-onset diabetes of the young. Review status: criteria provided, single submitter. Criteria: K & H Uppaluri Personalized Medicine Clinic Variant Classification & Assertion Criteria_Updated V.1. Collection method: research. Allele origin: unknown. Inheritance: Somatic mutation.
Comment: Mutations in ABCC8 gene are associated with both neonatal diabetes mellitus as well as MODY. Patients with this mutation may have a better response to sulfonylureas. However, no sufficient evidence is found to ascertain the role of this particular variant ( rs1554917411) in MODY yet.

Literature cited by the submitters: PubMed 16885549 (cited by Clinical Genomics, Uppaluri K&H Personalized Medicine Clinic); PubMed 21989597 (cited by Clinical Genomics, Uppaluri K&H Personalized Medicine Clinic); PubMed 27538677 (cited by Clinical Genomics, Uppaluri K&H Personalized Medicine Clinic); PubMed 18981553 (cited by Clinical Genomics, Uppaluri K&H Personalized Medicine Clinic); PubMed 32027066 (cited by Clinical Genomics, Uppaluri K&H Personalized Medicine Clinic); PubMed 16613899 (cited by Clinical Genomics, Uppaluri K&H Personalized Medicine Clinic); PubMed 18025408 (cited by Clinical Genomics, Uppaluri K&H Personalized Medicine Clinic); PubMed 32792356 (cited by Clinical Genomics, Uppaluri K&H Personalized Medicine Clinic).